The following is an entry in ClinVar:

NM_031844.3(HNRNPU):c.245del (p.Gly82fs)

Gene: HNRNPU (heterogeneous nuclear ribonucleoprotein U; minus strand). Cytogenetic location: 1q44.
Variant type: Deletion.
Coding change: c.245del on transcript NM_031844.3 (MANE Select); coding-DNA position 245, one base deleted (G; older notation c.245delG).
Protein change: p.Gly82fs; shifts the reading frame from glycine 82.
Molecular consequence: frameshift variant.
Genome position (GRCh38, 1-based): chr1:244,864,063, C deleted on the plus strand (G on the coding strand, the reverse complement: HNRNPU is on the minus strand); the first of 2 consecutive C bases (chr1:244,864,063-244,864,064); deleting either gives the same sequence. VCF-style (leftmost placement, unchanged base first): chr1-244864062-GC-G. GRCh37 (hg19) VCF-style: chr1-245027364-GC-G.
Other names: c.245del, p.Gly82fs (NM_004501.3); short protein forms G82fs.
Identifiers: ClinVar variation 2503488 (VCV002503488.1), dbSNP rs2527895727, ClinGen allele CA2580611584.

ClinVar aggregate classification (germline): Pathogenic (1 of 4 stars; one submission).

Conditions:
Developmental and epileptic encephalopathy, 54. Also called: HNRNPU-Related Neurodevelopmental Disorder; Epileptic encephalopathy, early infantile, 54. Identifiers: MedGen C4479319, MONDO:0033363, OMIM 617391.

Submission:

Institute of Human Genetics, FAU Erlangen, Friedrich-Alexander-Universität Erlangen-Nürnberg
Classification: Pathogenic for Developmental and epileptic encephalopathy, 54. Last evaluated: 2023-06-01. Review status: criteria provided, single submitter. Criteria: Hauer et al. (Genet Med. 2018). Collection method: clinical testing. Allele origin: germline. Inheritance: Unknown mechanism. Affected: yes. Observed: 1 variant allele.
Comment: This variant has been identified by standard clinical testing. de novo Selected ACMG criteria: Pathogenic (I):PM2;PS2;PVS1